The following is an entry in ClinVar:

ClinVar aggregate classification (germline): Uncertain significance (1 of 4 stars; one submission).

Allele frequency attached by ClinVar (database versions not stated): gnomAD exomes below 0.00001; gnomAD 0.00003; TOPMed 0.00005.
gnomAD v4.1: 10 of 1,551,622 alleles (0.00064%); highest among the groups gnomAD compares: African/African-American, 0.014%; no homozygotes.

Submission:

Labcorp Genetics (formerly Invitae), Labcorp
Classification: Uncertain significance. Last evaluated: 2022-08-29. Review status: criteria provided, single submitter. Criteria: Invitae Variant Classification Sherloc (09022015). Collection method: clinical testing. Allele origin: germline.
Comment: Algorithms developed to predict the effect of missense changes on protein structure and function are either unavailable or do not agree on the potential impact of this missense change (SIFT: "Deleterious"; PolyPhen-2: "Probably Damaging"; Align-GVGD: "Class C0"). In summary, the available evidence is currently insufficient to determine the role of this variant in disease. Therefore, it has been classified as a Variant of Uncertain Significance. This variant has not been reported in the literature in individuals affected with DTHD1-related conditions. This sequence change replaces lysine, which is basic and polar, with arginine, which is basic and polar, at codon 575 of the DTHD1 protein (p.Lys575Arg). This variant is present in population databases (no rsID available, gnomAD 0.01%).

NM_001170700.3(DTHD1):c.2594A>G (p.Lys865Arg)

Gene: DTHD1 (death domain containing 1; plus strand). Cytogenetic location: 4p14.
Variant type: single nucleotide variant.
Coding change: c.2594A>G on transcript NM_001170700.3 (MANE Select); coding-DNA position 2594, A replaced by G.
Protein change: p.Lys865Arg; replaces lysine 865 with arginine.
Molecular consequence: missense variant. On other transcripts: non-coding transcript variant (2).
Genome position (GRCh38, 1-based): chr4:36,343,697, A>G. VCF-style: chr4-36343697-A-G. GRCh37 (hg19) VCF-style: chr4-36345319-A-G.
Other names: c.1724A>G, p.Lys575Arg (NM_001136536.5); c.1603A>G, p.Asn535Asp (NM_001378435.1); short protein forms K575R, K865R, N535D.
Identifiers: ClinVar variation 2414069 (VCV002414069.6), dbSNP rs1279501831, ClinGen allele CA356682441.